The following is an entry in ClinVar:

NM_001035.3(RYR2):c.-32G>C

Gene: RYR2 (ryanodine receptor 2; plus strand). Cytogenetic location: 1q43.
Variant type: single nucleotide variant.
Coding change: c.-32G>C on transcript NM_001035.3 (MANE Select); 32 bases upstream of the start codon, G replaced by C.
Molecular consequence: 5 prime UTR variant.
Genome position (GRCh38, 1-based): chr1:237,042,490, G>C. VCF-style: chr1-237042490-G-C. GRCh37 (hg19) VCF-style: chr1-237205790-G-C.
Other names: c.-32G>C (LRG_402t1).
Identifiers: ClinVar variation 516259 (VCV000516259.1), dbSNP rs1489951737, ClinGen allele CA529591544.

ClinVar aggregate classification (germline): Likely benign (1 of 4 stars; one submission).

Allele frequency attached by ClinVar (database versions not stated): gnomAD exomes 0.00001 and 0.00005.
gnomAD v4.1: 7 of 1,245,414 alleles (0.00056%); highest among the groups gnomAD compares: Non-Finnish European, 0.00071%; no homozygotes.

Submission:

GeneDx
Classification: Likely benign. Last evaluated: 2017-08-29. Review status: criteria provided, single submitter. Criteria: GeneDx Variant Classification (06012015). Collection method: clinical testing. Allele origin: germline. Affected: yes.
Comment: This variant is considered likely benign or benign based on one or more of the following criteria: it is a conservative change, it occurs at a poorly conserved position in the protein, it is predicted to be benign by multiple in silico algorithms, and/or has population frequency not consistent with disease.